The following is an entry in ClinVar:

NM_001385641.1(SAMD11):c.2107G>A (p.Val703Ile)

Genes: SAMD11 (sterile alpha motif domain containing 11; plus strand), LOC129929063 (ATAC-STARR-seq lymphoblastoid active region 4; plus strand). Cytogenetic location: 1p36.33.
Variant type: single nucleotide variant.
Coding change: c.2107G>A on transcript NM_001385641.1 (MANE Select); coding-DNA position 2107, G replaced by A.
Protein change: p.Val703Ile; replaces valine 703 with isoleucine.
Molecular consequence: missense variant.
Genome position (GRCh38, 1-based): chr1:943,306, G>A. VCF-style: chr1-943306-G-A. GRCh37 (hg19) VCF-style: chr1-878686-G-A.
Other names: c.2110G>A, p.Val704Ile (NM_001385640.1); c.1618G>A, p.Val540Ile (NM_152486.4); short protein forms V540I, V704I, V703I.
Identifiers: ClinVar variation 1967874 (VCV001967874.5), dbSNP rs756871764, ClinGen allele CA503150.
Genomic context (GRCh38, chr1:943,306, plus strand): 5'-AACTCAGGCGCGGTAGGGGGACTCTCCATGGATGGGGAGGAGGCCCCAGCCCCTGAGGAC[G>A]TCACCAAGTGGACCGTGGATGACGTCTGCAGCTTCGTGGGGGGCCTGTCTGGCTGTGGAG-3'
Protein context (NP_001372570.1, residues 693-713): DGEEAPAPED[Val703Ile]TKWTVDDVCS

ClinVar aggregate classification (germline): Uncertain significance (1 of 4 stars; one submission).

Allele frequency attached by ClinVar (database versions not stated): gnomAD exomes below 0.00001; ExAC 0.00001; TOPMed 0.00002; gnomAD 0.00003.
gnomAD v4.1: 11 of 1,612,160 alleles (0.00068%); highest among the groups gnomAD compares: African/African-American, 0.0094%; no homozygotes.

Submission:

Labcorp Genetics (formerly Invitae), Labcorp
Classification: Uncertain significance. Last evaluated: 2022-09-27. Review status: criteria provided, single submitter. Criteria: Invitae Variant Classification Sherloc (09022015). Collection method: clinical testing. Allele origin: germline.
Comment: In summary, the available evidence is currently insufficient to determine the role of this variant in disease. Therefore, it has been classified as a Variant of Uncertain Significance. Algorithms developed to predict the effect of missense changes on protein structure and function output the following: SIFT: "Tolerated"; PolyPhen-2: "Benign"; Align-GVGD: "Class C0". The isoleucine amino acid residue is found in multiple mammalian species, which suggests that this missense change does not adversely affect protein function. This variant has not been reported in the literature in individuals affected with SAMD11-related conditions. This variant is present in population databases (rs756871764, gnomAD 0.02%). This sequence change replaces valine, which is neutral and non-polar, with isoleucine, which is neutral and non-polar, at codon 540 of the SAMD11 protein (p.Val540Ile).